The following is an entry in ClinVar:

ClinVar aggregate classification (germline): Pathogenic (1 of 4 stars; one submission).

Submission:

Labcorp Genetics (formerly Invitae), Labcorp
Classification: Pathogenic. Last evaluated: 2024-08-12. Review status: criteria provided, single submitter. Criteria: Invitae Variant Classification Sherloc (09022015). Collection method: clinical testing. Allele origin: germline.
Comment: This sequence change creates a premature translational stop signal (p.Met751Asnfs*19) in the COL2A1 gene. It is expected to result in an absent or disrupted protein product. Loss-of-function variants in COL2A1 are known to be pathogenic (PMID: 20179744). This variant is not present in population databases (gnomAD no frequency). This variant has not been reported in the literature in individuals affected with COL2A1-related conditions. For these reasons, this variant has been classified as Pathogenic.

Literature cited by the submitters: PubMed 20179744.

NM_001844.5(COL2A1):c.2249dup (p.Met751fs)

Gene: COL2A1 (collagen type II alpha 1 chain; minus strand). Cytogenetic location: 12q13.11.
Variant type: Duplication.
Coding change: c.2249dup on transcript NM_001844.5 (MANE Select); coding-DNA position 2249, one base duplicated (G; older notation c.2249dupG).
Protein change: p.Met751fs; shifts the reading frame from methionine 751.
Molecular consequence: frameshift variant.
Genome position (GRCh38, 1-based): chr12:47,982,554, C duplicated on the plus strand (G on the coding strand, the reverse complement: COL2A1 is on the minus strand); the first of 3 consecutive C bases (chr12:47,982,554-47,982,556); duplicating any one gives the same sequence. VCF-style (leftmost placement, unchanged base first): chr12-47982553-T-TC. GRCh37 (hg19) VCF-style: chr12-48376336-T-TC.
Other names: c.2042dup, p.Met682fs (NM_033150.3); short protein forms M682fs, M751fs.
Identifiers: ClinVar variation 3662137 (VCV003662137.2).